The following is an entry in ClinVar:

NM_003849.4(SUCLG1):c.1026G>C (p.Lys342Asn)

Gene: SUCLG1 (succinate-CoA ligase GDP/ADP-forming subunit alpha; minus strand). Cytogenetic location: 2p11.2.
Variant type: single nucleotide variant.
Coding change: c.1026G>C on transcript NM_003849.4 (MANE Select); coding-DNA position 1026, G replaced by C.
Protein change: p.Lys342Asn; replaces lysine 342 with asparagine.
Molecular consequence: missense variant.
Genome position (GRCh38, 1-based): chr2:84,423,761, C>G on the plus strand (G>C on the coding strand, the complement: SUCLG1 is on the minus strand). VCF-style: chr2-84423761-C-G. GRCh37 (hg19) VCF-style: chr2-84650885-C-G.
Other names: short protein forms K342N.
Identifiers: ClinVar variation 1385845 (VCV001385845.6), dbSNP rs1224105669, ClinGen allele CA347514429.
Genomic context (GRCh38, chr2:84,423,761, plus strand): 5'-TGTCTACGTGATCCATTCCACAGTTTTAGGAATTTTTTTTTTCTTTCATAGCATCTTCCT[C>G]TTTTCAAATTCCTTCAGAAACAGAAGAGAGAGAGAAGAGAGATGGAATGAATAAAGATAA-3'
Protein context (NP_003840.2, residues 332-346): LGTTIYKEFE[Lys342Asn]RKML

ClinVar aggregate classification (germline): Uncertain significance (1 of 4 stars; one submission).

Conditions:
Mitochondrial DNA depletion syndrome 9 (MTDPS9). Also called: SUCLG1-Related Mitochondrial DNA Depletion Syndrome, Encephalomyopathic Form with Methylmalonic Aciduria. Identifiers: Orphanet 17, MedGen C3151476, MONDO:0009504, OMIM 245400.

Allele frequency attached by ClinVar (database versions not stated): gnomAD exomes 0.00002.
gnomAD v4.1: 4 of 1,606,190 alleles (0.00025%); highest among the groups gnomAD compares: Admixed American, 0.0067%; no homozygotes.

Submission:

Labcorp Genetics (formerly Invitae), Labcorp
Classification: Uncertain significance for Mitochondrial DNA depletion syndrome 9. Last evaluated: 2022-06-27. Review status: criteria provided, single submitter. Criteria: Invitae Variant Classification Sherloc (09022015). Collection method: clinical testing. Allele origin: germline.
Comment: This sequence change replaces lysine, which is basic and polar, with asparagine, which is neutral and polar, at codon 342 of the SUCLG1 protein (p.Lys342Asn). This variant is present in population databases (no rsID available, gnomAD 0.01%). This variant has not been reported in the literature in individuals affected with SUCLG1-related conditions. Algorithms developed to predict the effect of missense changes on protein structure and function are either unavailable or do not agree on the potential impact of this missense change (SIFT: "Deleterious"; PolyPhen-2: "Benign"; Align-GVGD: "Class C0"). In summary, the available evidence is currently insufficient to determine the role of this variant in disease. Therefore, it has been classified as a Variant of Uncertain Significance.